The following is an entry in ClinVar:

ClinVar aggregate classification (germline): Likely benign (1 of 4 stars; one submission).

Allele frequency attached by ClinVar (database versions not stated): ExAC 0.00001; TOPMed 0.00001.
gnomAD v4.1: 7 of 1,614,140 alleles (0.00043%); highest among the groups gnomAD compares: Admixed American, 0.005%; no homozygotes.

Submission:

CeGaT Center for Human Genetics Tuebingen
Classification: Likely benign. Last evaluated: 2023-12-01. Review status: criteria provided, single submitter. Criteria: CeGaT Center For Human Genetics Tuebingen Variant Classification Criteria Version 2. Collection method: clinical testing. Allele origin: germline. Affected: yes. Observed: 1 variant allele.
Comment: ZNF462: BP4, BP7

NM_021224.6(ZNF462):c.4446G>A (p.Leu1482=)

Gene: ZNF462 (zinc finger protein 462; plus strand). Cytogenetic location: 9q31.2.
Variant type: single nucleotide variant.
Coding change: c.4446G>A on transcript NM_021224.6 (MANE Select); coding-DNA position 4446, G replaced by A.
Protein change: p.Leu1482=; no amino-acid change (leucine 1482 retained).
Molecular consequence: synonymous variant. On other transcripts: intron variant (1).
Genome position (GRCh38, 1-based): chr9:106,928,358, G>A. VCF-style: chr9-106928358-G-A. GRCh37 (hg19) VCF-style: chr9-109690639-G-A.
Other names: c.3252+1194G>A (NM_001347997.2).
Identifiers: ClinVar variation 3026324 (VCV003026324.22), dbSNP rs762976605, ClinGen allele CA5171829.